The following is an entry in ClinVar:

NM_001040108.2(MLH3):c.365A>G (p.Lys122Arg)

Gene: MLH3 (mutL homolog 3; minus strand). Cytogenetic location: 14q24.3.
Variant type: single nucleotide variant.
Coding change: c.365A>G on transcript NM_001040108.2 (MANE Select); coding-DNA position 365, A replaced by G.
Protein change: p.Lys122Arg; replaces lysine 122 with arginine.
Molecular consequence: missense variant.
Genome position (GRCh38, 1-based): chr14:75,049,291, T>C on the plus strand (A>G on the coding strand, the complement: MLH3 is on the minus strand). VCF-style: chr14-75049291-T-C. GRCh37 (hg19) VCF-style: chr14-75515994-T-C.
Other names: c.365A>G, p.Lys122Arg (NM_014381.3); c.365A>G (NM_014381.2); short protein forms K122R.
Identifiers: ClinVar variation 858670 (VCV000858670.13), dbSNP rs762453215, ClinGen allele CA7276044.
Genomic context (GRCh38, chr14:75,049,291, plus strand): 5'-GCGCTTGCTCTAGTCACATCAGCTTCACAAGCTTTCAGGGCTTTTCCACTCTGAAACAGT[T>C]TCACAAAAGTTTTCATTGTCCTGTTTTTCTTGGACGAAATTTCCACAGCACTGGCCATGT-3'
Protein context (NP_001035197.1, residues 112-132): KKNRTMKTFV[Lys122Arg]LFQSGKALKA

ClinVar aggregate classification (germline): Conflicting classifications of pathogenicity. Review status: criteria provided, conflicting classifications (1 of 4 stars). 4 submissions from 4 submitters: Likely pathogenic (1); Uncertain significance (3). Last evaluated 2026-01-04.

Conditions:
Endometrial carcinoma. Also called: Endometrial carcinoma, somatic. Identifiers: MedGen C0476089, MONDO:0002447, OMIM 608089, HP:0012114.
Colorectal cancer, hereditary nonpolyposis, type 7. Identifiers: Orphanet 144, MedGen C1858380, MONDO:0013725, OMIM 614385.
Colorectal cancer. Also called: Malignant Colorectal Neoplasm; Colorectal cancer, somatic. Identifiers: MedGen C0346629, MONDO:0005575, OMIM 114500.
Ovarian cancer. Also called: OVARIAN CANCER, SOMATIC. Identifiers: Orphanet 213500, MedGen C1140680, MONDO:0008170, OMIM 167000.

Allele frequency attached by ClinVar (database versions not stated): TOPMed below 0.00001; gnomAD 0.00001; gnomAD exomes 0.00001 and 0.00005; ExAC 0.00003.

Submissions (4):

Labcorp Genetics (formerly Invitae), Labcorp
Classification: Uncertain significance for Colorectal cancer, hereditary nonpolyposis, type 7. Last evaluated: 2026-01-04. Review status: criteria provided, single submitter. Criteria: Invitae Variant Classification Sherloc (09022015). Collection method: clinical testing. Allele origin: germline.
Comment: This sequence change replaces lysine, which is basic and polar, with arginine, which is basic and polar, at codon 122 of the MLH3 protein (p.Lys122Arg). This variant is present in population databases (rs762453215, gnomAD 0.08%), and has an allele count higher than expected for a pathogenic variant. This variant has not been reported in the literature in individuals affected with MLH3-related conditions. ClinVar contains an entry for this variant (Variation ID: 858670). An algorithm developed to predict the effect of missense changes on protein structure and function (PolyPhen-2) suggests that this variant is likely to be disruptive. In summary, the available evidence is currently insufficient to determine the role of this variant in disease. Therefore, it has been classified as a Variant of Uncertain Significance.

Department of Pathology and Laboratory Medicine, Sinai Health System
Classification: Uncertain significance for Colorectal cancer; Endometrial carcinoma; Colorectal cancer, hereditary nonpolyposis, type 7. Last evaluated: 2024-10-09. Review status: criteria provided, single submitter. Criteria: ACMG Guidelines, 2015. Collection method: clinical testing. Allele origin: germline.

Ambry Genetics
Classification: Uncertain significance. Last evaluated: 2024-09-26. Review status: criteria provided, single submitter. Criteria: Ambry Variant Classification Scheme 2023. Collection method: clinical testing. Allele origin: germline.
Comment: The p.K122R variant (also known as c.365A>G), located in coding exon 1 of the MLH3 gene, results from an A to G substitution at nucleotide position 365. The lysine at codon 122 is replaced by arginine, an amino acid with highly similar properties. This amino acid position is highly conserved in available vertebrate species. In addition, this alteration is predicted to be tolerated by in silico analysis. The evidence for this gene-disease relationship is limited; therefore, the clinical significance of this alteration is unclear.

Laboratory of Molecular Epidemiology of Birth Defects, West China Second University Hospital, Sichuan University
Classification: Likely pathogenic for Ovarian cancer. Last evaluated: 2022-01-01. Review status: criteria provided, single submitter. Criteria: ACMG Guidelines, 2015. Collection method: clinical testing. Allele origin: germline. Affected: yes.